The following is an entry in ClinVar:

NM_000083.3(CLCN1):c.854-1010T>C

Gene: CLCN1 (chloride voltage-gated channel 1; plus strand). Cytogenetic location: 7q34.
Variant type: single nucleotide variant.
Coding change: c.854-1010T>C on transcript NM_000083.3 (MANE Select); 1010 bases into the intron before coding-DNA position 854, T replaced by C.
Molecular consequence: intron variant.
Genome position (GRCh38, 1-based): chr7:143,329,762, T>C. VCF-style: chr7-143329762-T-C. GRCh37 (hg19) VCF-style: chr7-143026855-T-C.
Identifiers: ClinVar variation 3235849 (VCV003235849.1), dbSNP rs181155092, ClinGen allele CA168211496.

ClinVar aggregate classification (germline): Uncertain significance (1 of 4 stars; one submission).

Allele frequency attached by ClinVar (database versions not stated): gnomAD 0.00016; TOPMed 0.00020; 1000 Genomes Project 0.00060; 1000 Genomes Project 30x 0.00062.
gnomAD v4.1: 25 of 152,366 alleles (0.016%); highest among the groups gnomAD compares: Non-Finnish European, 0.029%; no homozygotes.

Submission:

Greenwood Genetic Center Diagnostic Laboratories, Greenwood Genetic Center
Classification: Uncertain significance. Last evaluated: 2024-01-23. Review status: criteria provided, single submitter. Criteria: ACMG Guidelines, 2015. Collection method: clinical testing. Allele origin: germline. Affected: yes.
Comment: PM2